The following is an entry in ClinVar:

NM_001353345.2(SETD1B):c.773del (p.Tyr258fs)

Gene: SETD1B (SET domain containing 1B, histone lysine methyltransferase; plus strand). Cytogenetic location: 12q24.31.
Variant type: Deletion.
Coding change: c.773del on transcript NM_001353345.2 (MANE Select); coding-DNA position 773, one base deleted (A; older notation c.773delA).
Protein change: p.Tyr258fs; shifts the reading frame from tyrosine 258.
Molecular consequence: frameshift variant.
Genome position (GRCh38, 1-based): chr12:121,809,718, A deleted. VCF-style (leftmost placement, unchanged base first): chr12-121809717-TA-T. GRCh37 (hg19) VCF-style: chr12-122247623-TA-T.
Other names: NM_015048.1:c.773delA; short protein forms Y258fs.
Identifiers: ClinVar variation 2303158 (VCV002303158.2), dbSNP rs2500182168, ClinGen allele CA2580085912.

ClinVar aggregate classification (germline): Pathogenic (1 of 4 stars; one submission).

Conditions:
Inborn genetic diseases. Identifiers: MedGen C0950123, MeSH D030342.

Submission:

Ambry Genetics
Classification: Pathogenic for Inborn genetic diseases. Last evaluated: 2022-08-26. Review status: criteria provided, single submitter. Criteria: Ambry Variant Classification Scheme 2023. Collection method: clinical testing. Allele origin: germline.
Comment: The c.773delA (p.Y258Ffs*49) alteration, located in exon 5 (coding exon 5) of the SETD1B gene, consists of a deletion of one nucleotide at position 773, causing a translational frameshift with a predicted alternate stop codon after 49 amino acids. This alteration is expected to result in loss of function by premature protein truncation or nonsense-mediated mRNA decay. This variant was not reported in population-based cohorts in the Genome Aggregation Database (gnomAD). Based on the available evidence, this alteration is classified as pathogenic.